The following is an entry in ClinVar:

ClinVar aggregate classification (germline): Uncertain significance. Review status: criteria provided, multiple submitters, no conflicts (2 of 4 stars). 3 submissions from 3 submitters: Uncertain significance (3). Last evaluated 2025-10-07.

Conditions:
Hereditary cancer-predisposing syndrome. Also called: Hereditary neoplastic syndrome; Tumor predisposition; Neoplastic Syndromes, Hereditary; Hereditary Cancer Syndrome. Identifiers: Orphanet 140162, MedGen C0027672, MeSH D009386, MONDO:0015356.

Allele frequency attached by ClinVar (database versions not stated): gnomAD 0.00001.
gnomAD v4.1: 3 of 1,609,300 alleles (0.00019%); highest among the groups gnomAD compares: Non-Finnish European, 0.00025%; no homozygotes.

Submissions (3):

Labcorp Genetics (formerly Invitae), Labcorp
Classification: Uncertain significance. Last evaluated: 2025-10-07. Review status: criteria provided, single submitter. Criteria: Invitae Variant Classification Sherloc (09022015). Collection method: clinical testing. Allele origin: germline.
Comment: This sequence change replaces alanine, which is neutral and non-polar, with proline, which is neutral and non-polar, at codon 227 of the NTHL1 protein (p.Ala227Pro). This variant is not present in population databases (gnomAD no frequency). This variant has not been reported in the literature in individuals affected with NTHL1-related conditions. ClinVar contains an entry for this variant (Variation ID: 654589). An algorithm developed to predict the effect of missense changes on protein structure and function (PolyPhen-2) suggests that this variant is likely to be disruptive. In summary, the available evidence is currently insufficient to determine the role of this variant in disease. Therefore, it has been classified as a Variant of Uncertain Significance.

Mayo Clinic Laboratories, Mayo Clinic
Classification: Uncertain significance. Last evaluated: 2025-06-12. Review status: criteria provided, single submitter. Criteria: ACMG Guidelines, 2015. Collection method: clinical testing. Allele origin: germline. Observed: 1 variant allele.
Comment: PP3, PM2_supporting

Ambry Genetics
Classification: Uncertain significance for Hereditary cancer-predisposing syndrome. Last evaluated: 2024-12-02. Review status: criteria provided, single submitter. Criteria: Ambry Variant Classification Scheme 2023. Collection method: clinical testing. Allele origin: germline.
Comment: The p.A227P variant (also known as c.679G>C), located in coding exon 4 of the NTHL1 gene, results from a G to C substitution at nucleotide position 679. The alanine at codon 227 is replaced by proline, an amino acid with highly similar properties. This amino acid position is not well conserved in available vertebrate species. In addition, this alteration is predicted to be deleterious by in silico analysis. Since supporting evidence is limited at this time, the clinical significance of this alteration remains unclear.

NM_002528.7(NTHL1):c.655G>C (p.Ala219Pro)

Gene: NTHL1 (nth like DNA glycosylase 1; minus strand). Cytogenetic location: 16p13.3.
Variant type: single nucleotide variant.
Coding change: c.655G>C on transcript NM_002528.7 (MANE Select); coding-DNA position 655, G replaced by C.
Protein change: p.Ala219Pro; replaces alanine 219 with proline.
Molecular consequence: missense variant.
Genome position (GRCh38, 1-based): chr16:2,043,597, C>G on the plus strand (G>C on the coding strand, the complement: NTHL1 is on the minus strand). VCF-style: chr16-2043597-C-G. GRCh37 (hg19) VCF-style: chr16-2093598-C-G.
Other names: p.Ala219Pro; c.655G>C, p.Ala219Pro (LRG_1366t1); c.484G>C, p.Ala162Pro (NM_001318193.2); c.325G>C, p.Ala109Pro (NM_001318194.2); short protein forms A109P, A162P, A219P.
Identifiers: ClinVar variation 654589 (VCV000654589.13), dbSNP rs1596219284, ClinGen allele CA394291048.